The following is an entry in ClinVar:

ClinVar aggregate classification (germline): Pathogenic/Likely pathogenic. Review status: criteria provided, multiple submitters, no conflicts (2 of 4 stars). 8 submissions from 8 submitters: Pathogenic (1); Likely pathogenic (7). Last evaluated 2025-12-17.

Conditions:
SDHA-related disorder. Also called: SDHA-related disorders; SDHA-related condition.
Mitochondrial complex II deficiency, nuclear type 1. Also called: SUCCINATE CoQ REDUCTASE DEFICIENCY. Identifiers: Orphanet 3208, MedGen C5700310, MONDO:0100294, OMIM 252011.
Pheochromocytoma/paraganglioma syndrome 5. Also called: Paragangliomas 5; SDHA-Related Hereditary Paraganglioma-Pheochromocytoma Syndrome. Identifiers: Orphanet 29072, MedGen C3279992, MONDO:0013602, OMIM 614165.
Hereditary cancer-predisposing syndrome. Also called: Neoplastic Syndromes, Hereditary; Tumor predisposition; Hereditary Cancer Syndrome; Hereditary neoplastic syndrome. Identifiers: Orphanet 140162, MedGen C0027672, MeSH D009386, MONDO:0015356.
Dilated cardiomyopathy 1GG (CMD1GG). Identifiers: Orphanet 154, MedGen C3150898, MONDO:0013339, OMIM 613642.

Allele frequency attached by ClinVar (database versions not stated): gnomAD exomes below 0.00001; TOPMed below 0.00001; gnomAD 0.00001.
gnomAD v4.1: 12 of 1,613,972 alleles (0.00074%); highest among the groups gnomAD compares: East Asian, 0.0045%; no homozygotes.

Submissions (8):

Labcorp Genetics (formerly Invitae), Labcorp
Classification: Likely pathogenic for Pheochromocytoma/paraganglioma syndrome 5; Mitochondrial complex II deficiency, nuclear type 1. Last evaluated: 2025-12-17. Review status: criteria provided, single submitter. Criteria: Invitae Variant Classification Sherloc (09022015). Collection method: clinical testing. Allele origin: germline.
Comment: This sequence change replaces glycine, which is neutral and non-polar, with arginine, which is basic and polar, at codon 260 of the SDHA protein (p.Gly260Arg). The frequency data for this variant in the population databases is considered unreliable, as metrics indicate poor data quality at this position in the gnomAD database. This missense change has been observed in individuals with paraganglioma or pheochromocytoma (PMID: 25394176, 28384794, 33219105, 33397043; external communication, internal data). ClinVar contains an entry for this variant (Variation ID: 412357). Invitae Evidence Modeling of protein sequence and biophysical properties (such as structural, functional, and spatial information, amino acid conservation, physicochemical variation, residue mobility, and thermodynamic stability) has been performed for this missense variant. However, the output from this modeling did not meet the statistical confidence thresholds required to predict the impact of this variant on SDHA protein function. Experimental studies have shown that this missense change affects SDHA function (PMID: 28724664). In summary, the currently available evidence indicates that the variant is pathogenic, but additional data are needed to prove that conclusively. Therefore, this variant has been classified as Likely Pathogenic.

GeneDx
Classification: Likely pathogenic. Last evaluated: 2024-12-12. Review status: criteria provided, single submitter. Criteria: GeneDx Variant Classification Process June 2021. Collection method: clinical testing. Allele origin: germline. Affected: yes.
Comment: Published functional studies suggest a damaging effect: reduced oxidative phosphorylation and decreased protein expression (PMID: 28724664); Not observed at significant frequency in large population cohorts (gnomAD); In silico analysis supports that this missense variant has a deleterious effect on protein structure/function; This variant is associated with the following publications: (PMID: 27051561, 25394176, 28384794, 29177515, 33397043, 33219105, 28724664, Syed AS2024[Abstract], 39133175)

PreventionGenetics, part of Exact Sciences
Classification: Likely pathogenic for SDHA-related condition. Last evaluated: 2024-11-18. Review status: criteria provided, single submitter. Criteria: ACMG Guidelines, 2015. Collection method: clinical testing. Allele origin: germline.
Comment: The SDHA c.778G>A variant is predicted to result in the amino acid substitution p.Gly260Arg. This variant was reported in individuals with paragangliomas & phaeochromocytomas (Evenepoel et al. 2015. PubMed ID: 25394176; Bannon et al. 2017. PubMed ID: 28724664; Kim et al. 2020. PubMed ID: 33219105; Seo et al. 2020. PubMed ID: 33397043; and Bausch et al. 2017. PubMed ID: 28384794), and has been shown to disrupt SDHA protein function (Bannon et al. 2017. PubMed ID: 28724664). This variant is reported in 0.0062% of alleles in individuals of African descent in gnomAD. This variant has interpretations of likely pathogenic (4) and pathogenic (1) in ClinVar. This variant is interpreted as likely pathogenic.

Blueprint Genetics
Classification: Likely pathogenic for SDHA-related disorders. Last evaluated: 2024-07-04. Review status: criteria provided, single submitter. Criteria: ACMG Guidelines, 2015. Collection method: clinical testing. Allele origin: germline. Affected: yes. Observed: 5 variant alleles.

Baylor Genetics
Classification: Likely pathogenic for Dilated cardiomyopathy 1GG. Last evaluated: 2023-06-26. Review status: criteria provided, single submitter. Criteria: ACMG Guidelines, 2015. Collection method: clinical testing. Allele origin: unknown.

Clinical Genomics Laboratory, Stanford Medicine
Classification: Likely pathogenic for Pheochromocytoma/paraganglioma syndrome 5. Last evaluated: 2023-01-01. Review status: criteria provided, single submitter. Criteria: ACMG Guidelines, 2015. Collection method: clinical testing. Allele origin: germline. Inheritance: Autosomal dominant inheritance. Observed: 1 variant allele, 1 heterozygote.
Comment: The p.Gly260Arg variant in the SDHA gene has been previously reported in several individuals with paraganglioma or pheochromocytoma (PMID:28384794; PMID: 33397043; PMID: 33219105). This variant has been identified in 1/16,238 African/African American chromosomes (1/251,382 chromosomes overall) by the Genome Aggregation Database. This variant is present in ClinVar (Accession: VCV000412357.25). Functional studies have demonstrated that this variant has a deleterious impact on protein function (PMID: 28724664). The glycine at position 260 is strongly evolutionarily conserved. Computational tools predict that the p.Gly260Arg variant is deleterious; however, the accuracy of in silico algorithms is limited. These data were assessed using the ACMG/AMP variant interpretation guidelines. In summary, there is sufficient evidence to classify the p.Gly260Arg variant as likely pathogenic for autosomal dominant hereditary paraganglioma-pheochromocytoma syndromes based on the information above. [ACMG evidence codes used: PS4_Moderate; PM2; PS3_Supporting; PP3]

Ambry Genetics
Classification: Pathogenic for Hereditary cancer-predisposing syndrome. Last evaluated: 2022-12-14. Review status: criteria provided, single submitter. Criteria: Ambry Variant Classification Scheme 2023. Collection method: clinical testing. Allele origin: germline.
Comment: The p.G260R variant (also known as c.778G>A), located in coding exon 7 of the SDHA gene, results from a G to A substitution at nucleotide position 778. The glycine at codon 260 is replaced by arginine, an amino acid with dissimilar properties. This variant has been detected in individuals diagnosed with paragangliomas, pheochromocytomas and/or SDH-deficient renal cell carcinoma (Ambry internal data; Evenepoel L et al. Genet. Med., 2015 Aug;17:610-20; Bausch B et al. JAMA Oncol, 2017 Sep;3:1204-1212; Seo SH et al. Endocrinol Metab (Seoul), 2020 12;35:909-917; Kim JH et al. J Med Genet, 2022 Jan;59:56-64). Furthermore, a functional study demonstrated that yeast equivalent of this variant (G251R) impairs function of succinate dehydrogenase complex (Bannon AE et al. Clin. Cancer Res., 2017 Nov;23:6733-6743). Based on internal structural analysis, p.G260R is anticipated to result in a significant decrease in structural stability (Inaoka DK et al. Int J Mol Sci, 2015 Jul;16:15287-308). This amino acid position is highly conserved in available vertebrate species. In addition, this alteration is predicted to be deleterious by in silico analysis. Based on the supporting evidence, this alteration is interpreted as a disease-causing mutation.

Revvity Omics, Revvity
Classification: Likely pathogenic. Last evaluated: 2020-11-30. Review status: criteria provided, single submitter. Criteria: ACMG Guidelines, 2015. Collection method: clinical testing. Allele origin: germline.

Literature cited by the submitters: PubMed 25394176 (cited by Labcorp Genetics (formerly Invitae), Labcorp and Ambry Genetics); PubMed 28384794 (cited by 3 submitters); PubMed 33219105 (cited by 3 submitters); PubMed 33397043 (cited by 3 submitters); PubMed 28724664 (cited by 3 submitters); PubMed 26198225 (cited by Ambry Genetics); PubMed 28748451 (cited by Ambry Genetics).

NM_004168.4(SDHA):c.778G>A (p.Gly260Arg)

Gene: SDHA (succinate dehydrogenase complex flavoprotein subunit A; plus strand). Cytogenetic location: 5p15.33.
Variant type: single nucleotide variant.
Coding change: c.778G>A on transcript NM_004168.4 (MANE Select); coding-DNA position 778, G replaced by A.
Protein change: p.Gly260Arg; replaces glycine 260 with arginine.
Molecular consequence: missense variant.
Genome position (GRCh38, 1-based): chr5:230,883, G>A. VCF-style: chr5-230883-G-A. GRCh37 (hg19) VCF-style: chr5-230998-G-A.
Other names: c.634G>A, p.Gly212Arg (NM_001294332.2); c.778G>A, p.Gly260Arg (NM_001330758.2); short protein forms G260R, G212R.
Identifiers: ClinVar variation 412357 (VCV000412357.28), dbSNP rs940845256, ClinGen allele CA16611878.
Genomic context (GRCh38, chr5:230,883, plus strand): 5'-GGAGGTCCAGATGTGGGCCGCTGTGTGCAGTCACTGCTCTCTATTGTTTCCAGAGGCTAC[G>A]GGCGCACCTACTTCAGCTGCACGTCTGCCCACACCAGCACTGGCGACGGCACGGCCATGA-3'
Protein context (NP_004159.2, residues 250-270): KNTVVATGGY[Gly260Arg]RTYFSCTSAH